The following is an entry in ClinVar:

NM_000454.5(SOD1):c.448A>G (p.Ile150Val)

Gene: SOD1 (superoxide dismutase 1; plus strand). Cytogenetic location: 21q22.11.
Variant type: single nucleotide variant.
Coding change: c.448A>G on transcript NM_000454.5 (MANE Select); coding-DNA position 448, A replaced by G.
Protein change: p.Ile150Val; replaces isoleucine 150 with valine.
Molecular consequence: missense variant.
Genome position (GRCh38, 1-based): chr21:31,668,561, A>G. VCF-style: chr21-31668561-A-G. GRCh37 (hg19) VCF-style: chr21-33040874-A-G.
Other names: c.448A>G (NM_000454.4); short protein forms I150V.
Identifiers: ClinVar variation 1061106 (VCV001061106.10), dbSNP rs1169917994, ClinGen allele CA410037824.

ClinVar aggregate classification (germline): Likely pathogenic. Review status: criteria provided, single submitter (1 of 4 stars). 2 submissions from 2 submitters: Likely pathogenic (1). 1 of the submissions does not count toward it. Last evaluated 2025-03-31.

Conditions:
SOD1-related disorder. Also called: SOD1-related condition.
Amyotrophic lateral sclerosis type 1 (ALS1). Also called: AMYOTROPHIC LATERAL SCLEROSIS 1, FAMILIAL. Identifiers: Orphanet 803, MedGen C1862939, MONDO:0007103, OMIM 105400.

Allele frequency attached by ClinVar (database versions not stated): gnomAD exomes below 0.00001 and 0.00002.
gnomAD v4.1: 2 of 1,613,636 alleles (0.00012%); highest among the groups gnomAD compares: Non-Finnish European, 0.00017%; no homozygotes.

Submissions (2):

Labcorp Genetics (formerly Invitae), Labcorp
Classification: Likely pathogenic for Amyotrophic lateral sclerosis type 1. Last evaluated: 2025-03-31. Review status: criteria provided, single submitter. Criteria: Invitae Variant Classification Sherloc (09022015). Collection method: clinical testing. Allele origin: germline.
Comment: This sequence change replaces isoleucine, which is neutral and non-polar, with valine, which is neutral and non-polar, at codon 150 of the SOD1 protein (p.Ile150Val). This variant is present in population databases (no rsID available, gnomAD 0.004%). This missense change has been observed in individuals with clinical features of autosomal dominant amyotrophic lateral sclerosis (PMID: 25299611, 36376198, 37952009; internal data). ClinVar contains an entry for this variant (Variation ID: 1061106). An algorithm developed to predict the effect of missense changes on protein structure and function (PolyPhen-2) suggests that this variant is likely to be tolerated. Experimental studies have shown that this missense change affects SOD1 function (PMID: 36376198). This variant disrupts the p.Ile150 amino acid residue in SOD1. Other variant(s) that disrupt this residue have been determined to be pathogenic (PMID: 7887412, 20404329, 23853506). This suggests that this residue is clinically significant, and that variants that disrupt this residue are likely to be disease-causing. In summary, the currently available evidence indicates that the variant is pathogenic, but additional data are needed to prove that conclusively. Therefore, this variant has been classified as Likely Pathogenic.

PreventionGenetics, part of Exact Sciences
Classification: Likely pathogenic for SOD1-related condition. Last evaluated: 2024-08-26. Review status: no assertion criteria provided. Collection method: clinical testing. Allele origin: germline. Not counted in ClinVar's aggregate classification.
Comment: The SOD1 c.448A>G variant is predicted to result in the amino acid substitution p.Ile150Val. This variant has been reported in at least three unrelated individuals with amyotrophic lateral sclerosis (ALS, Table S7 in Couthouis et al. 2014. PubMed ID: 25299611; Tang et al. 2019. PubMed ID: 30637102; supplementary table 1 in Hu et al. 2024. PubMed ID: 37952009). A different missense change at the same amino acid position, c.449T>C (p.Ile150Thr) has also been reported in an individual with ALS (Tang et al. 2019. PubMed ID: 30637102). This variant is reported in 0.0035% of alleles in individuals of European (Non-Finnish) descent in gnomAD. Together we classify the c.448A>G (p.Ile150Val) variant as likely pathogenic.

Literature cited by the submitters: PubMed 25299611 (cited by Labcorp Genetics (formerly Invitae), Labcorp); PubMed 36376198 (cited by Labcorp Genetics (formerly Invitae), Labcorp); PubMed 37952009 (cited by Labcorp Genetics (formerly Invitae), Labcorp); PubMed 7887412 (cited by Labcorp Genetics (formerly Invitae), Labcorp); PubMed 20404329 (cited by Labcorp Genetics (formerly Invitae), Labcorp); PubMed 23853506 (cited by Labcorp Genetics (formerly Invitae), Labcorp).